The following is an entry in ClinVar:

NM_001903.5(CTNNA1):c.965C>T (p.Ser322Leu)

Gene: CTNNA1 (catenin alpha 1; plus strand). Cytogenetic location: 5q31.2.
Variant type: single nucleotide variant.
Coding change: c.965C>T on transcript NM_001903.5 (MANE Select); coding-DNA position 965, C replaced by T.
Protein change: p.Ser322Leu; replaces serine 322 with leucine.
Molecular consequence: missense variant.
Genome position (GRCh38, 1-based): chr5:138,827,621, C>T. VCF-style: chr5-138827621-C-T. GRCh37 (hg19) VCF-style: chr5-138163310-C-T.
Other names: c.965C>T, p.Ser322Leu (NM_001290307.3, NM_001323982.2, NM_001323983.1 and 3 more transcripts); c.656C>T, p.Ser219Leu (NM_001290309.3); c.596C>T, p.Ser199Leu (NM_001290310.3); short protein forms S322L, S199L, S219L.
Identifiers: ClinVar variation 437999 (VCV000437999.24), dbSNP rs1554085478, ClinGen allele CA361131003.
Genomic context (GRCh38, chr5:138,827,621, plus strand): 5'-GGCCTTCCCTGGAGGAGCGTCTGGAAAGCATCATTAGTGGGGCTGCCTTGATGGCCGACT[C>T]GTCCTGCACGCGTGATGACCGTCGTGAGCGAATTGTGGCAGAGTGTAATGCTGTCCGCCA-3'
Protein context (NP_001894.2, residues 312-332): IISGAALMAD[Ser322Leu]SCTRDDRRER

ClinVar aggregate classification (germline): Conflicting classifications of pathogenicity. Review status: criteria provided, conflicting classifications (1 of 4 stars). 8 submissions from 8 submitters: Likely pathogenic (3); Uncertain significance (4). 1 of the submissions does not count toward it. Last evaluated 2026-01-23.

Conditions:
Patterned macular dystrophy 2. Identifiers: Orphanet 99001, MedGen C1837029, MONDO:0012162, OMIM 608970.
Hereditary cancer-predisposing syndrome. Also called: Hereditary Cancer Syndrome; Hereditary neoplastic syndrome; Neoplastic Syndromes, Hereditary; Tumor predisposition. Identifiers: Orphanet 140162, MedGen C0027672, MeSH D009386, MONDO:0015356.
CTNNA1-related disorders.
Retinal dystrophy. Also called: Inherited retinal dystrophy. Identifiers: Orphanet 71862, MedGen C0854723, MeSH D058499, MONDO:0019118, HP:0000556.

Allele frequency attached by ClinVar (database versions not stated): gnomAD exomes below 0.00001.
gnomAD v4.1: 1 of 1,614,214 alleles (0.000062%); highest among the groups gnomAD compares: Non-Finnish European, 0.000085%; no homozygotes.

Submissions (8):

Ambry Genetics
Classification: Uncertain significance for Hereditary cancer-predisposing syndrome. Last evaluated: 2026-01-23. Review status: criteria provided, single submitter. Criteria: Ambry Variant Classification Scheme 2023. Collection method: clinical testing. Allele origin: germline.
Comment: The p.S322L variant (also known as c.965C>T), located in coding exon 6 of the CTNNA1 gene, results from a C to T substitution at nucleotide position 965. The serine at codon 322 is replaced by leucine, an amino acid with dissimilar properties. This amino acid position is highly conserved in available vertebrate species. In addition, the in silico prediction for this alteration is inconclusive. Based on the available evidence, the clinical significance of this variant remains unclear.

Labcorp Genetics (formerly Invitae), Labcorp
Classification: Likely pathogenic. Last evaluated: 2025-09-02. Review status: criteria provided, single submitter. Criteria: Invitae Variant Classification Sherloc (09022015). Collection method: clinical testing. Allele origin: germline.
Comment: This sequence change replaces serine, which is neutral and polar, with leucine, which is neutral and non-polar, at codon 322 of the CTNNA1 protein (p.Ser322Leu). This variant is not present in population databases (gnomAD no frequency). This missense change has been observed in individuals with pattern dystrophy and/or retinal dystrophy (PMID: 28041643, 33137351, 38219857; internal data). ClinVar contains an entry for this variant (Variation ID: 437999). Invitae Evidence Modeling of protein sequence and biophysical properties (such as structural, functional, and spatial information, amino acid conservation, physicochemical variation, residue mobility, and thermodynamic stability) has been performed for this missense variant. However, the output from this modeling did not meet the statistical confidence thresholds required to predict the impact of this variant on CTNNA1 protein function. In summary, the currently available evidence indicates that the variant is pathogenic, but additional data are needed to prove that conclusively. Therefore, this variant has been classified as Likely Pathogenic.

3billion
Classification: Uncertain significance for Patterned macular dystrophy 2. Last evaluated: 2024-12-26. Review status: criteria provided, single submitter. Criteria: ACMG Guidelines, 2015. Collection method: clinical testing. Allele origin: germline. Affected: yes.
Comment: The variant is observed at an extremely low frequency in the gnomAD v4.1.0 dataset (total allele frequency: <0.001%). Predicted Consequence/Location: Missense variant In silico tool predictions suggest damaging effect of the variant on gene or gene product [3Cnet: 0.71 (>=0.6, sensitivity 0.72 and precision 0.9)]. The same nucleotide change resulting in the same amino acid change has been previously reported as likely pathogenic or as of uncertain significance (ClinVar ID: VCV000437999 /PMID: 28041643). Therefore, this variant is classified as VUS according to the recommendation of ACMG/AMP guideline.

Blueprint Genetics
Classification: Likely pathogenic for CTNNA1-related disorders. Last evaluated: 2023-10-12. Review status: criteria provided, single submitter. Criteria: ACMG Guidelines, 2015. Collection method: clinical testing. Allele origin: germline. Affected: yes. Observed: 3 variant alleles.

GeneDx
Classification: Uncertain significance. Last evaluated: 2022-11-29. Review status: criteria provided, single submitter. Criteria: GeneDx Variant Classification Process June 2021. Collection method: clinical testing. Allele origin: germline. Affected: yes.
Comment: Identified in individuals referred for hereditary cancer multi-gene panel testing (Clark et al., 2020); In silico analysis supports that this missense variant has a deleterious effect on protein structure/function; Not observed at significant frequency in large population cohorts (gnomAD); This variant is associated with the following publications: (PMID: 32051609, 32581362, 28041643, 33137351)

Centre for Mendelian Genomics, University Medical Centre Ljubljana
Classification: Uncertain significance for Patterned macular dystrophy 2. Last evaluated: 2020-04-02. Review status: criteria provided, single submitter. Criteria: ACMG Guidelines, 2015. Collection method: clinical testing. Allele origin: unknown. Affected: yes.
Comment: This variant was classified as: Uncertain significance. The available evidence favors the pathogenic nature of this variant, however the currently available data is insufficient to conclusively support its pathogenic nature. Thus this variant is classified as Uncertain significance - favor pathogenic. The following ACMG criteria were applied in classifying this variant: PM2,PP3,PP4.

Institute of Human Genetics, Univ. Regensburg, Univ. Regensburg
Classification: Likely pathogenic for Retinal dystrophy. Last evaluated: 2019-01-01. Review status: criteria provided, single submitter. Criteria: ACMG Guidelines, 2015. Collection method: clinical testing. Allele origin: germline. Affected: yes.

NIHR Bioresource Rare Diseases, University of Cambridge
Classification: Likely pathogenic for Retinal dystrophy. Last evaluated: 2015-01-01. Review status: no assertion criteria provided. Collection method: research. Allele origin: unknown. Affected: yes. Observed: 1 variant allele. Not counted in ClinVar's aggregate classification.

Literature cited by the submitters: PubMed 28041643 (cited by 4 submitters); PubMed 33137351 (cited by Labcorp Genetics (formerly Invitae), Labcorp and Institute of Human Genetics, Univ. Regensburg, Univ. Regensburg); PubMed 38219857 (cited by Labcorp Genetics (formerly Invitae), Labcorp); PubMed 32051609 (cited by Institute of Human Genetics, Univ. Regensburg, Univ. Regensburg); PubMed 32581362 (cited by Institute of Human Genetics, Univ. Regensburg, Univ. Regensburg).